The following is an entry in ClinVar:

NM_000051.4(ATM):c.4303A>C (p.Lys1435Gln)

Gene: ATM (ATM serine/threonine kinase; plus strand). Cytogenetic location: 11q22.3.
Variant type: single nucleotide variant.
Coding change: c.4303A>C on transcript NM_000051.4 (MANE Select); coding-DNA position 4303, A replaced by C.
Protein change: p.Lys1435Gln; replaces lysine 1435 with glutamine.
Molecular consequence: missense variant.
Genome position (GRCh38, 1-based): chr11:108,289,668, A>C. VCF-style: chr11-108289668-A-C. GRCh37 (hg19) VCF-style: chr11-108160395-A-C.
Other names: c.4303A>C, p.Lys1435Gln (NM_001351834.2); short protein forms K1435Q.
Identifiers: ClinVar variation 234267 (VCV000234267.24), dbSNP rs876660964, ClinGen allele CA10577427.

ClinVar aggregate classification (germline): Uncertain significance. Review status: criteria provided, multiple submitters, no conflicts (2 of 4 stars). 6 submissions from 6 submitters: Uncertain significance (5). 1 of the submissions does not count toward it. Last evaluated 2026-02-09.

Conditions:
Hereditary cancer-predisposing syndrome. Also called: Tumor predisposition; Neoplastic Syndromes, Hereditary; Hereditary Cancer Syndrome; Hereditary neoplastic syndrome. Identifiers: Orphanet 140162, MedGen C0027672, MeSH D009386, MONDO:0015356.
Ataxia-telangiectasia syndrome (AT). Also called: Ataxia-telangiectasia; Ataxia-telangiectasia, complementation group D; AT, COMPLEMENTATION GROUP C; Ataxia telangiectasia (A-T); Cerebello-oculocutaneous telangiectasia; Immunodeficiency with ataxia telangiectasia. Identifiers: Orphanet 100, MedGen C0004135, MONDO:0008840, OMIM 208900.

Allele frequency attached by ClinVar (database versions not stated): gnomAD exomes below 0.00001.
gnomAD v4.1: 3 of 1,612,992 alleles (0.00019%); highest among the groups gnomAD compares: East Asian, 0.0022%; no homozygotes.

Submissions (6):

Women's Health and Genetics/Laboratory Corporation of America, LabCorp
Classification: Uncertain significance. Last evaluated: 2026-02-09. Review status: criteria provided, single submitter. Criteria: LabCorp Variant Classification Summary - May 2015. Collection method: clinical testing. Allele origin: germline.
Comment: Variant summary: ATM c.4303A>C (p.Lys1435Gln) results in a conservative amino acid change in the encoded protein sequence. Algorithms developed to predict the effect of missense changes on protein structure and function are either unavailable or do not agree on the potential impact of this missense change. The variant allele was found at a frequency of 1.9e-06 in 1606328 control chromosomes (gnomAD). The available data on variant occurrences in the general population are insufficient to allow any conclusion about variant significance. c.4303A>C has been observed in individual(s) affected with breast- or ovarian cancer (e.g. Singh_2018, Pramanik_2024). These report(s) do not provide unequivocal conclusions about association of the variant with Ataxia-telangiectasia syndrome. To our knowledge, no experimental evidence demonstrating an impact on protein function has been reported. The following publications have been ascertained in the context of this evaluation (PMID: 29470806, 38439815). ClinVar contains an entry for this variant (Variation ID: 234267). Based on the evidence outlined above, the variant was classified as uncertain significance.

Labcorp Genetics (formerly Invitae), Labcorp
Classification: Uncertain significance for Ataxia-telangiectasia syndrome. Last evaluated: 2025-09-20. Review status: criteria provided, single submitter. Criteria: Invitae Variant Classification Sherloc (09022015). Collection method: clinical testing. Allele origin: germline.
Comment: This sequence change replaces lysine, which is basic and polar, with glutamine, which is neutral and polar, at codon 1435 of the ATM protein (p.Lys1435Gln). This variant is not present in population databases (gnomAD no frequency). This missense change has been observed in individual(s) with breast and/or ovarian cancer (PMID: 29470806, 38439815). ClinVar contains an entry for this variant (Variation ID: 234267). Invitae Evidence Modeling of protein sequence and biophysical properties (such as structural, functional, and spatial information, amino acid conservation, physicochemical variation, residue mobility, and thermodynamic stability) indicates that this missense variant is not expected to disrupt ATM protein function with a negative predictive value of 95%. In summary, the available evidence is currently insufficient to determine the role of this variant in disease. Therefore, it has been classified as a Variant of Uncertain Significance.

Color Diagnostics, LLC DBA Color Health
Classification: Uncertain significance for Hereditary cancer-predisposing syndrome. Last evaluated: 2025-02-25. Review status: criteria provided, single submitter. Criteria: ACMG Guidelines, 2015. Collection method: clinical testing. Allele origin: germline.
Comment: This missense variant replaces lysine with glutamine at codon 1435 of the ATM protein. Computational prediction suggests that this variant may not impact protein structure and function. To our knowledge, functional studies have not been reported for this variant. This variant has been reported in individuals affected with breast and/or ovarian cancer (PMID: 29470806, 38439815). This variant has not been identified in the general population by the Genome Aggregation Database (gnomAD). The available evidence is insufficient to determine the role of this variant in disease conclusively. Therefore, this variant is classified as a Variant of Uncertain Significance.

Ambry Genetics
Classification: Uncertain significance for Hereditary cancer-predisposing syndrome. Last evaluated: 2023-09-11. Review status: criteria provided, single submitter. Criteria: Ambry Variant Classification Scheme 2023. Collection method: clinical testing. Allele origin: germline.
Comment: The p.K1435Q variant (also known as c.4303A>C), located in coding exon 28 of the ATM gene, results from an A to C substitution at nucleotide position 4303. The lysine at codon 1435 is replaced by glutamine, an amino acid with similar properties. This variant was observed in a study of 1010 unrelated Indian individuals diagnosed with breast and/or ovarian cancer (Singh J et al. Breast Cancer Res Treat, 2018 Jul;170:189-196). This amino acid position is not well conserved in available vertebrate species. In addition, this alteration is predicted to be tolerated by in silico analysis. Since supporting evidence is limited at this time, the clinical significance of this alteration remains unclear.

GeneDx
Classification: Uncertain significance. Last evaluated: 2023-07-31. Review status: criteria provided, single submitter. Criteria: GeneDx Variant Classification Process June 2021. Collection method: clinical testing. Allele origin: germline. Affected: yes.
Comment: Not observed at significant frequency in large population cohorts (gnomAD); In silico analysis supports that this missense variant does not alter protein structure/function; Observed in individuals with breast and/or ovarian cancer (Singh et al., 2018); This variant is associated with the following publications: (PMID: 29470806, 35732320)

Natera, Inc.
Classification: Uncertain significance for Ataxia-telangiectasia. Last evaluated: 2020-09-16. Review status: no assertion criteria provided. Collection method: clinical testing. Allele origin: germline. Not counted in ClinVar's aggregate classification.

Literature cited by the submitters: PubMed 29470806 (cited by 4 submitters); PubMed 38439815 (cited by 3 submitters).